The following is an entry in ClinVar:

ClinVar aggregate classification (germline): Likely benign. Review status: criteria provided, single submitter (1 of 4 stars). 2 submissions from 2 submitters: Likely benign (1). 1 of the submissions does not count toward it. Last evaluated 2022-12-01.

Conditions:
MYO7B-related disorder. Also called: MYO7B-related condition.

Allele frequency attached by ClinVar (database versions not stated): 1000 Genomes Project 30x 0.00078; 1000 Genomes Project 0.00080; ESP Exome Variant Server 0.00237; TOPMed 0.00240; gnomAD 0.00269; ExAC 0.00565.
gnomAD v4.1: 6,030 of 1,597,366 alleles (0.38%); highest among the groups gnomAD compares: Non-Finnish European, 0.46%; 21 homozygotes.

Submissions (2):

CeGaT Center for Human Genetics Tuebingen
Classification: Likely benign. Last evaluated: 2022-12-01. Review status: criteria provided, single submitter. Criteria: CeGaT Center For Human Genetics Tuebingen Variant Classification Criteria Version 2. Collection method: clinical testing. Allele origin: germline. Affected: yes. Observed: 1 variant allele.
Comment: MYO7B: BP4, BS2

PreventionGenetics, part of Exact Sciences
Classification: Likely benign for MYO7B-related condition. Last evaluated: 2022-03-11. Review status: no assertion criteria provided. Collection method: clinical testing. Allele origin: germline. Not counted in ClinVar's aggregate classification.
Comment: This variant is classified as likely benign based on ACMG/AMP sequence variant interpretation guidelines (Richards et al. 2015 PMID: 25741868, with internal and published modifications).

NM_001393586.1(MYO7B):c.3908G>A (p.Arg1303His)

Gene: MYO7B (myosin VIIB; plus strand). Cytogenetic location: 2q14.3.
Variant type: single nucleotide variant.
Coding change: c.3908G>A on transcript NM_001393586.1 (MANE Select); coding-DNA position 3908, G replaced by A.
Protein change: p.Arg1303His; replaces arginine 1303 with histidine.
Molecular consequence: missense variant.
Genome position (GRCh38, 1-based): chr2:127,624,181, G>A. VCF-style: chr2-127624181-G-A. GRCh37 (hg19) VCF-style: chr2-128381756-G-A.
Other names: c.3830G>A, p.Arg1277His (NM_001080527.2); c.389G>A, p.Arg130His (NM_001393594.1); c.3830G>A (NM_001080527.1); short protein forms R1277H, R1303H, R130H.
Identifiers: ClinVar variation 2651333 (VCV002651333.25), dbSNP rs183915346, ClinGen allele CA1861577.